The following is an entry in ClinVar:

ClinVar aggregate classification (germline): Uncertain significance. Review status: criteria provided, multiple submitters, no conflicts (2 of 4 stars). 4 submissions from 4 submitters: Uncertain significance (4). Last evaluated 2024-10-05.

Conditions:
Hereditary cancer-predisposing syndrome. Also called: Neoplastic Syndromes, Hereditary; Hereditary neoplastic syndrome; Hereditary Cancer Syndrome; Tumor predisposition. Identifiers: Orphanet 140162, MedGen C0027672, MeSH D009386, MONDO:0015356.
Familial cancer of breast. Also called: BREAST CANCER, FAMILIAL; hereditary breast carcinoma; Hereditary breast cancer. Identifiers: Orphanet 227535, MedGen C0346153, MONDO:0016419, OMIM 114480. Disease mechanism: loss of function.

Submissions (4):

Labcorp Genetics (formerly Invitae), Labcorp
Classification: Uncertain significance for Familial cancer of breast. Last evaluated: 2024-10-05. Review status: criteria provided, single submitter. Criteria: Invitae Variant Classification Sherloc (09022015). Collection method: clinical testing. Allele origin: germline.
Comment: This variant, c.562_564del, results in the deletion of 1 amino acid(s) of the BARD1 protein (p.Pro188del), but otherwise preserves the integrity of the reading frame. This variant is not present in population databases (gnomAD no frequency). This variant has not been reported in the literature in individuals affected with BARD1-related conditions. Experimental studies and prediction algorithms are not available or were not evaluated, and the functional significance of this variant is currently unknown. In summary, the available evidence is currently insufficient to determine the role of this variant in disease. Therefore, it has been classified as a Variant of Uncertain Significance.

Ambry Genetics
Classification: Uncertain significance for Hereditary cancer-predisposing syndrome. Last evaluated: 2024-04-08. Review status: criteria provided, single submitter. Criteria: Ambry Variant Classification Scheme 2023. Collection method: clinical testing. Allele origin: germline.
Comment: The c.562_564delCCT variant (also known as p.P188del) is located in coding exon 4 of the BARD1 gene. This variant results from an in-frame CCT deletion at nucleotide positions 562 to 564. This results in the in-frame deletion of a proline at codon 188. This amino acid position is not well conserved in available vertebrate species. In addition, the in silico prediction for this alteration is inconclusive (Choi Y et al. PLoS ONE. 2012; 7(10):e46688). Based on the available evidence, the clinical significance of this variant remains unclear.

Baylor Genetics
Classification: Uncertain significance for Familial cancer of breast. Last evaluated: 2024-02-28. Review status: criteria provided, single submitter. Criteria: ACMG Guidelines, 2015. Collection method: clinical testing. Allele origin: unknown.

GeneDx
Classification: Uncertain significance. Last evaluated: 2017-05-19. Review status: criteria provided, single submitter. Criteria: GeneDx Variant Classification (06012015). Collection method: clinical testing. Allele origin: germline. Affected: yes.
Comment: This in-frame deletion of three nucleotides in BARD1 is denoted c.562_564delCCT at the cDNA level and p.Pro188del (P188del) at the protein level. The normal sequence, with the bases that are deleted in brackets, is TCCT[delCCT]GCAG. This deletion occurs in a region that is not conserved and is not located in a known functional domain. In silico analyses are inconsistent regarding the effect this variant may have on protein structure and function. This variant has not, to our knowledge, been published in the literature as pathogenic or benign. Since in-frame deletions may or may not inhibit proper protein functioning, the clinical significance of this finding remains unclear at this time and we consider BARD1 Pro188del to be a variant of uncertain significance.

NM_000465.4(BARD1):c.559CCT[1] (p.Pro188del)

Gene: BARD1 (BRCA1 associated RING domain 1; minus strand). Cytogenetic location: 2q35.
Variant type: Microsatellite.
Coding change: c.559CCT[1] on transcript NM_000465.4 (MANE Select); one copy of the 3-base unit CCT starting at c.559; the reference has two copies in a row; one copy, 3 bases deleted; also written c.562_564del.
Protein change: p.Pro188del; deletes proline 188.
Molecular consequence: inframe deletion. On other transcripts: non-coding transcript variant (2), intron variant (3).
Genome position (GRCh38, 1-based): chr2:214,781,310-214,781,312, AGG deleted on the plus strand (CCT on the coding strand, the reverse complement: BARD1 is on the minus strand); deleting any 3 consecutive bases within chr2:214,781,310-214,781,316 gives the same sequence; the position shown is the placement nearest the transcript's 3' end. VCF-style (leftmost placement, unchanged base first): chr2-214781309-CAGG-C. GRCh37 (hg19) VCF-style: chr2-215646033-CAGG-C.
Other names: c.502CCT[1], p.Pro169del (NM_001282543.2); c.158+28100_158+28102del (NM_001282548.2); c.215+15749_215+15751del (NM_001282545.2); c.364+10985_364+10987del (NM_001282549.2); c.562_564del (NM_000465.4); short protein forms P188del, P169del.
Identifiers: ClinVar variation 449978 (VCV000449978.10), dbSNP rs1553622614, ClinGen allele CA658657211.